The following is an entry in ClinVar:

NM_032578.4(MYPN):c.1196C>A (p.Pro399His)

Gene: MYPN (myopalladin; plus strand). Cytogenetic location: 10q21.3.
Variant type: single nucleotide variant.
Coding change: c.1196C>A on transcript NM_032578.4 (MANE Select); coding-DNA position 1196, C replaced by A.
Protein change: p.Pro399His; replaces proline 399 with histidine.
Molecular consequence: missense variant. On other transcripts: non-coding transcript variant (2).
Genome position (GRCh38, 1-based): chr10:68,148,418, C>A. VCF-style: chr10-68148418-C-A. GRCh37 (hg19) VCF-style: chr10-69908175-C-A.
Other names: c.1196C>A, p.Pro399His (NM_001256267.2); c.314C>A, p.Pro105His (NM_001256268.2); short protein forms P105H, P399H.
Identifiers: ClinVar variation 2563981 (VCV002563981.2), dbSNP rs142973768, ClinGen allele CA376832086.

ClinVar aggregate classification (germline): Uncertain significance (1 of 4 stars; one submission).

Conditions:
Cardiovascular phenotype. Identifiers: MedGen CN230736.

Submission:

Ambry Genetics
Classification: Uncertain significance for Cardiovascular phenotype. Last evaluated: 2023-05-26. Review status: criteria provided, single submitter. Criteria: Ambry Variant Classification Scheme 2023. Collection method: clinical testing. Allele origin: germline.
Comment: The p.P399H variant (also known as c.1196C>A), located in coding exon 4 of the MYPN gene, results from a C to A substitution at nucleotide position 1196. The proline at codon 399 is replaced by histidine, an amino acid with similar properties. This amino acid position is conserved. In addition, this alteration is predicted to be tolerated by in silico analysis. Since supporting evidence is limited at this time, the clinical significance of this alteration remains unclear.